The following is an entry in ClinVar:

ClinVar aggregate classification (germline): Likely benign (1 of 4 stars; one submission).

Submission:

CeGaT Center for Human Genetics Tuebingen
Classification: Likely benign. Last evaluated: 2025-03-01. Review status: criteria provided, single submitter. Criteria: CeGaT Center For Human Genetics Tuebingen Variant Classification Criteria Version 2. Collection method: clinical testing. Allele origin: germline. Affected: yes. Observed: 1 variant allele.
Comment: FOCAD: PM2:Supporting, BP4, BP7

NM_001375567.1(FOCAD):c.2403T>A (p.Gly801=)

Gene: FOCAD (focadhesin; plus strand). Cytogenetic location: 9p21.3.
Variant type: single nucleotide variant.
Coding change: c.2403T>A on transcript NM_001375567.1 (MANE Select); coding-DNA position 2403, T replaced by A.
Protein change: p.Gly801=; no amino-acid change (glycine 801 retained).
Molecular consequence: synonymous variant.
Genome position (GRCh38, 1-based): chr9:20,881,956, T>A. VCF-style: chr9-20881956-T-A. GRCh37 (hg19) VCF-style: chr9-20881955-T-A.
Other names: c.2298T>A, p.Gly766= (NM_001375568.1, NM_001375570.1); c.2403T>A, p.Gly801= (NM_017794.5).
Identifiers: ClinVar variation 3778608 (VCV003778608.7).
Genomic context (GRCh38, chr9:20,881,956, plus strand): 5'-TGTGAAGCAAGAAATGGTGAATATGCCTCGTGGGATATATCACTCTGCATTAAAAGGAGG[T>A]GCCCGCTCAGACCAAGGAAAGACTGTAGCAGGAATCCCCAATTTTATATTGAAAATGTAT-3'
Protein context (NP_001362496.1, residues 791-811): RGIYHSALKG[Gly801=]ARSDQGKTVA